The following is an entry in ClinVar:

ClinVar aggregate classification (germline): Uncertain significance (1 of 4 stars; one submission).

Conditions:
Hereditary breast ovarian cancer syndrome. Also called: Hereditary breast and ovarian cancer; Hereditary breast and/or ovarian cancer syndrome; Hereditary breast and ovarian cancer syndrome; Hereditary breast and ovarian cancer syndrome (HBOC); Breast and ovarian cancer; BRCA1- and BRCA2-Associated Hereditary Breast and Ovarian Cancer. Identifiers: Orphanet 145, MedGen C0677776, MeSH D061325, MONDO:0003582. Disease mechanism: loss of function.

Submission:

Labcorp Genetics (formerly Invitae), Labcorp
Classification: Uncertain significance for Hereditary breast ovarian cancer syndrome. Last evaluated: 2019-10-09. Review status: criteria provided, single submitter. Criteria: Invitae Variant Classification Sherloc (09022015). Collection method: clinical testing. Allele origin: germline.
Comment: This sequence change replaces proline with arginine at codon 1491 of the BRCA1 protein (p.Pro1491Arg). The proline residue is moderately conserved and there is a moderate physicochemical difference between proline and arginine. This variant is not present in population databases (ExAC no frequency). This variant has not been reported in the literature in individuals with BRCA1-related conditions. Algorithms developed to predict the effect of missense changes on protein structure and function (SIFT, PolyPhen-2, Align-GVGD) all suggest that this variant is likely to be tolerated, but these predictions have not been confirmed by published functional studies and their clinical significance is uncertain. In summary, the available evidence is currently insufficient to determine the role of this variant in disease. Therefore, it has been classified as a Variant of Uncertain Significance.

NM_007294.4(BRCA1):c.4472C>G (p.Pro1491Arg)

Gene: BRCA1 (BRCA1 DNA repair associated; minus strand). Cytogenetic location: 17q21.31.
Variant type: single nucleotide variant.
Coding change: c.4472C>G on transcript NM_007294.4 (MANE Select); coding-DNA position 4472, C replaced by G.
Protein change: p.Pro1491Arg; replaces proline 1491 with arginine.
Molecular consequence: missense variant. On other transcripts: non-coding transcript variant (1).
Genome position (GRCh38, 1-based): chr17:43,076,500, G>C on the plus strand (C>G on the coding strand, the complement: BRCA1 is on the minus strand). VCF-style: chr17-43076500-G-C. GRCh37 (hg19) VCF-style: chr17-41228517-G-C.
Other names: c.4466C>G, p.Pro1489Arg (NM_001407640.1, NM_001407641.1, NM_001407642.1 and 14 more transcripts); c.4463C>G, p.Pro1488Arg (NM_001407644.1, NM_001407645.1); c.4415C>G, p.Pro1472Arg (NM_001407648.1); c.4412C>G, p.Pro1471Arg (NM_001407649.1); c.4472C>G, p.Pro1491Arg (NM_001407652.1, NM_001407593.1, NM_001407594.1 and 8 more transcripts); c.4394C>G, p.Pro1465Arg (NM_001407653.1, NM_001407654.1, NM_001407655.1); c.4391C>G, p.Pro1464Arg (NM_001407656.1, NM_001407657.1, NM_001407658.1); c.4388C>G, p.Pro1463Arg (NM_001407659.1, NM_001407660.1, NM_001407661.1 and 2 more transcripts); and 68 more; short protein forms P1491R, P1512R, P387R, P1444R, P1322R, P1362R, P1363R, P1421R.
Identifiers: ClinVar variation 953812 (VCV000953812.11), dbSNP rs2052719695, ClinGen allele CA10592586.
Genomic context (GRCh38, chr17:43,076,500, plus strand): 5'-AAATAAAGATGTCAGATACCACAGCATCTTTACATTGATGTTTCTTACCTTTCCACTCCT[G>C]GTTCTTTATTTTTACTGGTAGAACTATCTGCAGACACCTCAAACTTGTCAGCAGAAAGGC-3'
Protein context (NP_009225.1, residues 1481-1501): ADSSTSKNKE[Pro1491Arg]GVERSSPSKC